The following is an entry in ClinVar:

NM_001080449.3(DNA2):c.2002T>G (p.Cys668Gly)

Gene: DNA2 (DNA replication helicase/nuclease 2; minus strand). Cytogenetic location: 10q21.3.
Variant type: single nucleotide variant.
Coding change: c.2002T>G on transcript NM_001080449.3 (MANE Select); coding-DNA position 2002, T replaced by G.
Protein change: p.Cys668Gly; replaces cysteine 668 with glycine.
Molecular consequence: missense variant.
Genome position (GRCh38, 1-based): chr10:68,430,642, A>C on the plus strand (T>G on the coding strand, the complement: DNA2 is on the minus strand). VCF-style: chr10-68430642-A-C. GRCh37 (hg19) VCF-style: chr10-70190399-A-C.
Other names: c.2002T>G (NM_001080449.2); short protein forms C668G.
Identifiers: ClinVar variation 2640527 (VCV002640527.27), dbSNP rs1457118078, ClinGen allele CA376854902.

ClinVar aggregate classification (germline): Uncertain significance. Review status: criteria provided, multiple submitters, no conflicts (2 of 4 stars). 3 submissions from 3 submitters: Uncertain significance (3). Last evaluated 2025-01-20.

Conditions:
Inborn genetic diseases. Identifiers: MedGen C0950123, MeSH D030342.

Allele frequency attached by ClinVar (database versions not stated): TOPMed below 0.00001; gnomAD 0.00001; gnomAD exomes 0.00002.
gnomAD v4.1: 31 of 1,590,732 alleles (0.0019%); highest among the groups gnomAD compares: Non-Finnish European, 0.0025%; no homozygotes.

Submissions (3):

Labcorp Genetics (formerly Invitae), Labcorp
Classification: Uncertain significance. Last evaluated: 2025-01-20. Review status: criteria provided, single submitter. Criteria: Invitae Variant Classification Sherloc (09022015). Collection method: clinical testing. Allele origin: germline.
Comment: This sequence change replaces cysteine, which is neutral and slightly polar, with glycine, which is neutral and non-polar, at codon 668 of the DNA2 protein (p.Cys668Gly). The frequency data for this variant in the population databases is considered unreliable, as metrics indicate poor data quality at this position in the gnomAD database. This variant has not been reported in the literature in individuals affected with DNA2-related conditions. ClinVar contains an entry for this variant (Variation ID: 2640527). Invitae Evidence Modeling of protein sequence and biophysical properties (such as structural, functional, and spatial information, amino acid conservation, physicochemical variation, residue mobility, and thermodynamic stability) indicates that this missense variant is expected to disrupt DNA2 protein function with a positive predictive value of 80%. In summary, the available evidence is currently insufficient to determine the role of this variant in disease. Therefore, it has been classified as a Variant of Uncertain Significance.

Ambry Genetics
Classification: Uncertain significance for Inborn genetic diseases. Last evaluated: 2024-10-06. Review status: criteria provided, single submitter. Criteria: Ambry Variant Classification Scheme 2023. Collection method: clinical testing. Allele origin: germline.

CeGaT Center for Human Genetics Tuebingen
Classification: Uncertain significance. Last evaluated: 2023-10-01. Review status: criteria provided, single submitter. Criteria: CeGaT Center For Human Genetics Tuebingen Variant Classification Criteria Version 2. Collection method: clinical testing. Allele origin: germline. Affected: yes. Observed: 1 variant allele.